The following is an entry in ClinVar:

NM_001145715.3(KPNA7):c.1424G>T (p.Gly475Val)

Gene: KPNA7 (karyopherin subunit alpha 7; minus strand). Cytogenetic location: 7q22.1.
Variant type: single nucleotide variant.
Coding change: c.1424G>T on transcript NM_001145715.3 (MANE Select); coding-DNA position 1424, G replaced by T.
Protein change: p.Gly475Val; replaces glycine 475 with valine.
Molecular consequence: missense variant.
Genome position (GRCh38, 1-based): chr7:99,177,960, C>A on the plus strand (G>T on the coding strand, the complement: KPNA7 is on the minus strand). VCF-style: chr7-99177960-C-A. GRCh37 (hg19) VCF-style: chr7-98775583-C-A.
Other names: short protein forms G475V.
Identifiers: ClinVar variation 1005066 (VCV001005066.5), dbSNP rs971860701, ClinGen allele CA163744396.
Genomic context (GRCh38, chr7:99,177,960, plus strand): 5'-CACGCTCCTAAGTCACTTACCTCACCAAAGTGCTTCTCGATGATGTTCAAAGCCGACTGG[C>A]CAATTTGACGGTTCTCATGCAGCTGTAAAGCCTCAATTCTATCGATCCCACCAAGTTCTT-3'
Protein context (NP_001139187.1, residues 465-485): ALQLHENRQI[Gly475Val]QSALNIIEKH

ClinVar aggregate classification (germline): Uncertain significance (1 of 4 stars; one submission).

Allele frequency attached by ClinVar (database versions not stated): gnomAD 0.00002; TOPMed 0.00002.
gnomAD v4.1: 4 of 1,551,932 alleles (0.00026%); highest among the groups gnomAD compares: African/African-American, 0.0041%; no homozygotes.

Submission:

Labcorp Genetics (formerly Invitae), Labcorp
Classification: Uncertain significance. Last evaluated: 2021-10-20. Review status: criteria provided, single submitter. Criteria: Invitae Variant Classification Sherloc (09022015). Collection method: clinical testing. Allele origin: germline.
Comment: Algorithms developed to predict the effect of missense changes on protein structure and function (SIFT, PolyPhen-2, Align-GVGD) all suggest that this variant is likely to be tolerated. In summary, the available evidence is currently insufficient to determine the role of this variant in disease. Therefore, it has been classified as a Variant of Uncertain Significance. This variant has not been reported in the literature in individuals affected with KPNA7-related conditions. This variant is not present in population databases (ExAC no frequency). This sequence change replaces glycine with valine at codon 475 of the KPNA7 protein (p.Gly475Val). The glycine residue is weakly conserved and there is a moderate physicochemical difference between glycine and valine.